The following is an entry in ClinVar:

ClinVar aggregate classification (germline): Conflicting classifications of pathogenicity. Review status: criteria provided, conflicting classifications (1 of 4 stars). 4 submissions from 4 submitters: Uncertain significance (3); Likely benign (1). Last evaluated 2026-08-21.

Conditions:
ABCC6-related disorder. Also called: ABCC6-related condition.

gnomAD v4.1: 82 of 1,614,036 alleles (0.0051%); highest among the groups gnomAD compares: Non-Finnish European, 0.0069%; no homozygotes.

Submissions (4):

PreventionGenetics, part of Exact Sciences
Classification: Uncertain significance for ABCC6-related condition. Last evaluated: 2026-08-21. Review status: criteria provided, single submitter. Criteria: ACMG Guidelines, 2015. Collection method: clinical testing. Allele origin: germline.
Comment: The ABCC6 c.1368C>G variant is predicted to result in the amino acid substitution p.Ile456Met. To our knowledge, this variant has not been reported in the literature. This variant is reported in 0.014% of alleles in individuals of European (Non-Finnish) descent in gnomAD. At this time, the clinical significance of this variant is uncertain due to the absence of conclusive functional and genetic evidence.

Labcorp Genetics (formerly Invitae), Labcorp
Classification: Likely benign. Last evaluated: 2025-10-26. Review status: criteria provided, single submitter. Criteria: Invitae Variant Classification Sherloc (09022015). Collection method: clinical testing. Allele origin: germline.

Blueprint Genetics
Classification: Uncertain significance. Last evaluated: 2024-09-13. Review status: criteria provided, single submitter. Criteria: ACMG Guidelines, 2015. Collection method: clinical testing. Allele origin: germline.

CeGaT Center for Human Genetics Tuebingen
Classification: Uncertain significance. Last evaluated: 2024-09-01. Review status: criteria provided, single submitter. Criteria: CeGaT Center For Human Genetics Tuebingen Variant Classification Criteria Version 2. Collection method: clinical testing. Allele origin: germline. Affected: yes. Observed: 1 variant allele.
Comment: ABCC6: PM2

NM_001171.6(ABCC6):c.1368C>G (p.Ile456Met)

Gene: ABCC6 (ATP binding cassette subfamily C member 6; minus strand). Cytogenetic location: 16p13.11.
Variant type: single nucleotide variant.
Coding change: c.1368C>G on transcript NM_001171.6 (MANE Select); coding-DNA position 1368, C replaced by G.
Protein change: p.Ile456Met; replaces isoleucine 456 with methionine.
Molecular consequence: missense variant. On other transcripts: non-coding transcript variant (1).
Genome position (GRCh38, 1-based): chr16:16,192,893, G>C on the plus strand (C>G on the coding strand, the complement: ABCC6 is on the minus strand). VCF-style: chr16-16192893-G-C. GRCh37 (hg19) VCF-style: chr16-16286750-G-C.
Other names: c.1368C>G (NM_001171.5); c.1026C>G, p.Ile342Met (NM_001351800.1); short protein forms I342M, I456M.
Identifiers: ClinVar variation 1645166 (VCV001645166.24), dbSNP rs141309818, ClinGen allele CA7926327.